The following is an entry in ClinVar:

ClinVar aggregate classification (germline): Uncertain significance. Review status: criteria provided, multiple submitters, no conflicts (2 of 4 stars). 2 submissions from 2 submitters: Uncertain significance (2). Last evaluated 2025-04-09.

Conditions:
Episodic ataxia type 1 (EA1). Also called: Episodic ataxia/myokymia syndrome; ATAXIA, EPISODIC, WITH MYOKYMIA; MYOKYMIA WITH PERIODIC ATAXIA; PAROXYSMAL ATAXIA WITH NEUROMYOTONIA, HEREDITARY. Identifiers: Orphanet 37612, Orphanet 972, MedGen C1719788, MONDO:0008047, OMIM 160120.
Inborn genetic diseases. Identifiers: MedGen C0950123, MeSH D030342.

gnomAD v4.1: 3 of 1,614,154 alleles (0.00019%); highest among the groups gnomAD compares: Admixed American, 0.005%; no homozygotes.

Submissions (2):

Ambry Genetics
Classification: Uncertain significance for Inborn genetic diseases. Last evaluated: 2025-04-09. Review status: criteria provided, single submitter. Criteria: Ambry Variant Classification Scheme 2023. Collection method: clinical testing. Allele origin: germline.

Labcorp Genetics (formerly Invitae), Labcorp
Classification: Uncertain significance for Episodic ataxia type 1. Last evaluated: 2025-03-11. Review status: criteria provided, single submitter. Criteria: Invitae Variant Classification Sherloc (09022015). Collection method: clinical testing. Allele origin: germline.
Comment: This sequence change replaces asparagine, which is neutral and polar, with lysine, which is basic and polar, at codon 213 of the KCNA1 protein (p.Asn213Lys). This variant is present in population databases (rs761073190, gnomAD 0.009%). This variant has not been reported in the literature in individuals affected with KCNA1-related conditions. Invitae Evidence Modeling of protein sequence and biophysical properties (such as structural, functional, and spatial information, amino acid conservation, physicochemical variation, residue mobility, and thermodynamic stability) indicates that this missense variant is not expected to disrupt KCNA1 protein function with a negative predictive value of 95%. In summary, the available evidence is currently insufficient to determine the role of this variant in disease. Therefore, it has been classified as a Variant of Uncertain Significance.

NM_000217.3(KCNA1):c.639T>G (p.Asn213Lys)

Gene: KCNA1 (potassium voltage-gated channel subfamily A member 1; plus strand). Cytogenetic location: 12p13.32.
Variant type: single nucleotide variant.
Coding change: c.639T>G on transcript NM_000217.3 (MANE Select); coding-DNA position 639, T replaced by G.
Protein change: p.Asn213Lys; replaces asparagine 213 with lysine.
Molecular consequence: missense variant.
Genome position (GRCh38, 1-based): chr12:4,912,017, T>G. VCF-style: chr12-4912017-T-G. GRCh37 (hg19) VCF-style: chr12-5021183-T-G.
Other names: c.639T>G (NM_000217.2); short protein forms N213K.
Identifiers: ClinVar variation 3706498 (VCV003706498.3).